The following is an entry in ClinVar:

ClinVar aggregate classification (germline): Uncertain significance (1 of 4 stars; one submission).

Submission:

Labcorp Genetics (formerly Invitae), Labcorp
Classification: Uncertain significance. Last evaluated: 2023-03-11. Review status: criteria provided, single submitter. Criteria: Invitae Variant Classification Sherloc (09022015). Collection method: clinical testing. Allele origin: germline.
Comment: In summary, the available evidence is currently insufficient to determine the role of this variant in disease. Therefore, it has been classified as a Variant of Uncertain Significance. An algorithm developed to predict the effect of missense changes on protein structure and function (PolyPhen-2) suggests that this variant is likely to be disruptive. ClinVar contains an entry for this variant (Variation ID: 2070650). This variant has not been reported in the literature in individuals affected with IREB2-related conditions. This variant is not present in population databases (gnomAD no frequency). This sequence change replaces lysine, which is basic and polar, with glutamic acid, which is acidic and polar, at codon 529 of the IREB2 protein (p.Lys529Glu).

NM_004136.4(IREB2):c.1585A>G (p.Lys529Glu)

Gene: IREB2 (iron responsive element binding protein 2; plus strand). Cytogenetic location: 15q25.1.
Variant type: single nucleotide variant.
Coding change: c.1585A>G on transcript NM_004136.4 (MANE Select); coding-DNA position 1585, A replaced by G.
Protein change: p.Lys529Glu; replaces lysine 529 with glutamic acid.
Molecular consequence: missense variant.
Genome position (GRCh38, 1-based): chr15:78,485,716, A>G. VCF-style: chr15-78485716-A-G. GRCh37 (hg19) VCF-style: chr15-78778058-A-G.
Other names: c.835A>G, p.Lys279Glu (NM_001320941.2); c.1414A>G, p.Lys472Glu (NM_001320942.2, NM_001354994.2); short protein forms K529E, K472E, K279E.
Identifiers: ClinVar variation 2070650 (VCV002070650.4), dbSNP rs2542619543, ClinGen allele CA393570919.
Genomic context (GRCh38, chr15:78,485,716, plus strand): 5'-GAGGGAAAGAAACATTGCCATAATAAATCATTGTTTGTTGGCTGTGCAGGTCTTTTGGCT[A>G]AAAAGGCTGTTGAAGCTGGTCTGCGTGTTAAACCTTATATAAGAACAAGTTTATCTCCAG-3'
Protein context (NP_004127.2, residues 519-539): SVMLAAGLLA[Lys529Glu]KAVEAGLRVK